The following is an entry in ClinVar:

NM_002693.3(POLG):c.3196A>G (p.Thr1066Ala)

Gene: POLG (DNA polymerase gamma, catalytic subunit; minus strand). Cytogenetic location: 15q26.1.
Variant type: single nucleotide variant.
Coding change: c.3196A>G on transcript NM_002693.3 (MANE Select); coding-DNA position 3196, A replaced by G.
Protein change: p.Thr1066Ala; replaces threonine 1066 with alanine.
Molecular consequence: missense variant.
Genome position (GRCh38, 1-based): chr15:89,319,008, T>C on the plus strand (A>G on the coding strand, the complement: POLG is on the minus strand). VCF-style: chr15-89319008-T-C. GRCh37 (hg19) VCF-style: chr15-89862239-T-C.
Other names: c.3196A>G, p.Thr1066Ala (NM_001126131.2); short protein forms T1066A.
Identifiers: ClinVar variation 4702913 (VCV004702913.1).

ClinVar aggregate classification (germline): Uncertain significance (1 of 4 stars; one submission).

Conditions:
Progressive sclerosing poliodystrophy (MTDPS4A). Also called: Mitochondrial DNA depletion syndrome 4A (Alpers type); ALPERS PROGRESSIVE INFANTILE POLIODYSTROPHY; NEURONAL DEGENERATION OF CHILDHOOD WITH LIVER DISEASE, PROGRESSIVE; Alpers Syndrome; ALPERS DIFFUSE DEGENERATION OF CEREBRAL GRAY MATTER WITH HEPATIC CIRRHOSIS; Alpers-Huttenlocher Syndrome. Identifiers: Orphanet 726, MedGen C0205710, MONDO:0008758, OMIM 203700.

Submission:

Labcorp Genetics (formerly Invitae), Labcorp
Classification: Uncertain significance for Progressive sclerosing poliodystrophy. Last evaluated: 2025-11-23. Review status: criteria provided, single submitter. Criteria: Invitae Variant Classification Sherloc (09022015). Collection method: clinical testing. Allele origin: germline.
Comment: This sequence change replaces threonine, which is neutral and polar, with alanine, which is neutral and non-polar, at codon 1066 of the POLG protein (p.Thr1066Ala). This variant is not present in population databases (gnomAD no frequency). This variant has not been reported in the literature in individuals affected with POLG-related conditions. Invitae Evidence Modeling of protein sequence and biophysical properties (such as structural, functional, and spatial information, amino acid conservation, physicochemical variation, residue mobility, and thermodynamic stability) indicates that this missense variant is not expected to disrupt POLG protein function with a negative predictive value of 95%. In summary, the available evidence is currently insufficient to determine the role of this variant in disease. Therefore, it has been classified as a Variant of Uncertain Significance.